The following is an entry in ClinVar:

NM_002133.3(HMOX1):c.864G>A (p.Met288Ile)

Gene: HMOX1 (heme oxygenase 1; plus strand). Cytogenetic location: 22q12.3.
Variant type: single nucleotide variant.
Coding change: c.864G>A on transcript NM_002133.3 (MANE Select); coding-DNA position 864, G replaced by A.
Protein change: p.Met288Ile; replaces methionine 288 with isoleucine.
Molecular consequence: missense variant.
Genome position (GRCh38, 1-based): chr22:35,393,595, G>A. VCF-style: chr22-35393595-G-A. GRCh37 (hg19) VCF-style: chr22-35789588-G-A.
Other names: short protein forms M288I.
Identifiers: ClinVar variation 1345789 (VCV001345789.8), dbSNP rs2145773479, ClinGen allele CA411354708.
Genomic context (GRCh38, chr22:35,393,595, plus strand): 5'-CCGATGGGTCCTTACACTCAGCTTTCTGGTGGCGACAGTTGCTGTAGGGCTTTATGCCAT[G>A]TGAATGCAGGCATGCTGGCTCCCAGGGCCATGAACTTTGTCCGGTGGAAGGCCTTCTTTC-3'
Protein context (NP_002124.1, residues 278-288): VATVAVGLYA[Met288Ile]

ClinVar aggregate classification (germline): Uncertain significance (1 of 4 stars; one submission).

Submission:

Labcorp Genetics (formerly Invitae), Labcorp
Classification: Uncertain significance. Last evaluated: 2021-04-16. Review status: criteria provided, single submitter. Criteria: Invitae Variant Classification Sherloc (09022015). Collection method: clinical testing. Allele origin: germline.
Comment: In summary, the available evidence is currently insufficient to determine the role of this variant in disease. Therefore, it has been classified as a Variant of Uncertain Significance. Algorithms developed to predict the effect of missense changes on protein structure and function output the following: SIFT: "Tolerated"; PolyPhen-2: "Benign"; Align-GVGD: "Class C0". The isoleucine amino acid residue is found in multiple mammalian species, suggesting that this missense change does not adversely affect protein function. These predictions have not been confirmed by published functional studies and their clinical significance is uncertain. This sequence change replaces methionine with isoleucine at codon 288 of the HMOX1 protein (p.Met288Ile). The methionine residue is moderately conserved and there is a small physicochemical difference between methionine and isoleucine. This variant is not present in population databases (ExAC no frequency). This variant has not been reported in the literature in individuals with HMOX1-related conditions.